The following is an entry in ClinVar:

NM_000059.4(BRCA2):c.6736C>T (p.Pro2246Ser)

Gene: BRCA2 (BRCA2 DNA repair associated; plus strand). Cytogenetic location: 13q13.1.
Variant type: single nucleotide variant.
Coding change: c.6736C>T on transcript NM_000059.4 (MANE Select); coding-DNA position 6736, C replaced by T.
Protein change: p.Pro2246Ser; replaces proline 2246 with serine.
Molecular consequence: missense variant.
Genome position (GRCh38, 1-based): chr13:32,341,091, C>T. VCF-style: chr13-32341091-C-T. GRCh37 (hg19) VCF-style: chr13-32915228-C-T.
Other names: short protein forms P2246S.
Identifiers: ClinVar variation 462412 (VCV000462412.10), dbSNP rs1555284840, ClinGen allele CA387791089.

ClinVar aggregate classification (germline): Conflicting classifications of pathogenicity. Review status: criteria provided, conflicting classifications (1 of 4 stars). 2 submissions from 2 submitters: Uncertain significance (1); Likely benign (1). Last evaluated 2023-03-23.

Conditions:
Hereditary breast ovarian cancer syndrome. Also called: Hereditary breast and ovarian cancer syndrome (HBOC); Hereditary breast and ovarian cancer syndrome; Breast and ovarian cancer; Hereditary breast and/or ovarian cancer syndrome; Hereditary breast and ovarian cancer; BRCA1- and BRCA2-Associated Hereditary Breast and Ovarian Cancer. Identifiers: Orphanet 145, MedGen C0677776, MeSH D061325, MONDO:0003582. Disease mechanism: loss of function.
Hereditary cancer-predisposing syndrome. Also called: Neoplastic Syndromes, Hereditary; Hereditary Cancer Syndrome; Hereditary neoplastic syndrome; Tumor predisposition. Identifiers: Orphanet 140162, MedGen C0027672, MeSH D009386, MONDO:0015356.

Submissions (2):

University of Washington Department of Laboratory Medicine, University of Washington
Classification: Likely benign for Hereditary cancer-predisposing syndrome. Last evaluated: 2023-03-23. Review status: criteria provided, single submitter. Criteria: Dines et al. (Genet Med. 2020). Collection method: curation. Allele origin: germline.
Comment: Missense variant in a coldspot region where missense variants are very unlikely to be pathogenic (PMID:31911673).

BRCA2 exon 11 coldspot. Reclassification based on statistical prior probability.

Labcorp Genetics (formerly Invitae), Labcorp
Classification: Uncertain significance for Hereditary breast ovarian cancer syndrome. Last evaluated: 2017-02-15. Review status: criteria provided, single submitter. Criteria: Invitae Variant Classification Sherloc (09022015). Collection method: clinical testing. Allele origin: germline.
Comment: In summary, this variant is a novel missense change that is not predicted to affect protein function. There is no indication that it causes disease, but the available evidence is currently insufficient to prove that conclusively. Therefore, it has been classified as a Variant of Uncertain Significance. Algorithms developed to predict the effect of missense changes on protein structure and function (SIFT, PolyPhen-2, Align-GVGD) all suggest that this variant is likely to be tolerated, but these predictions have not been confirmed by published functional studies. This variant is not present in population databases (ExAC no frequency) and has not been reported in the literature in individuals with a BRCA2-related disease. This sequence change replaces proline with serine at codon 2246 of the BRCA2 protein (p.Pro2246Ser). The proline residue is weakly conserved and there is a moderate physicochemical difference between proline and serine.